The following is an entry in ClinVar:

ClinVar aggregate classification (germline): Likely pathogenic (1 of 4 stars; one submission).

Conditions:
Pontocerebellar hypoplasia, type 11. Identifiers: Orphanet 611247, MedGen C4540164, MONDO:0054669, OMIM 617695.

Submission:

Juno Genomics, Hangzhou Juno Genomics, Inc
Classification: Likely pathogenic for Pontocerebellar hypoplasia, type 11. Review status: criteria provided, single submitter. Criteria: ACMG Guidelines, 2015. Collection method: clinical testing. Allele origin: germline.
Comment: Absent from controls (or at extremely low frequency if recessive) in Genome Aggregation Database.;Null variant in a gene where loss of function (LOF) is a known mechanism of disease.

NM_001199198.3(TBC1D23):c.1947dup (p.His650fs)

Gene: TBC1D23 (TBC1 domain family member 23; plus strand). Cytogenetic location: 3q12.2.
Variant type: Duplication.
Coding change: c.1947dup on transcript NM_001199198.3 (MANE Select); coding-DNA position 1947, one base duplicated (A; older notation c.1947dupA).
Protein change: p.His650fs; shifts the reading frame from histidine 650.
Molecular consequence: frameshift variant.
Genome position (GRCh38, 1-based): chr3:100,320,900, A duplicated; the last of 9 consecutive A bases (chr3:100,320,892-100,320,900); duplicating any one gives the same sequence. VCF-style (leftmost placement, unchanged base first): chr3-100320891-C-CA. GRCh37 (hg19) VCF-style: chr3-100039735-C-CA.
Other names: c.1902dup, p.His635fs (NM_018309.5); short protein forms H635fs, H650fs.
Identifiers: ClinVar variation 5019878 (VCV005019878.2).
Genomic context (GRCh38, chr3:100,320,891, plus strand): 5'-GAAAGGATTGGCTTATATACAGTCTCGACAAGCGCTGAATTCTGTAGTTAAAATTACATC[C>CA]AAAAAAAAACATCCTGAACTCATTACCTTCAAGTATGGAAATAGCAGTGCTTCAGGAATA-3'